The following is an entry in ClinVar:

ClinVar aggregate classification (germline): Conflicting classifications of pathogenicity. Review status: criteria provided, conflicting classifications (1 of 4 stars). 3 submissions from 3 submitters: Uncertain significance (2); Likely benign (1). Last evaluated 2023-05-10.

Conditions:
Hereditary cancer-predisposing syndrome. Also called: Hereditary Cancer Syndrome; Tumor predisposition; Hereditary neoplastic syndrome; Neoplastic Syndromes, Hereditary. Identifiers: Orphanet 140162, MedGen C0027672, MeSH D009386, MONDO:0015356.
Hereditary breast ovarian cancer syndrome. Also called: Hereditary breast and ovarian cancer syndrome (HBOC); Breast and ovarian cancer; Hereditary breast and ovarian cancer syndrome; Hereditary breast and ovarian cancer; Hereditary breast and/or ovarian cancer syndrome; BRCA1- and BRCA2-Associated Hereditary Breast and Ovarian Cancer. Identifiers: Orphanet 145, MedGen C0677776, MeSH D061325, MONDO:0003582. Disease mechanism: loss of function.

Allele frequency attached by ClinVar (database versions not stated): gnomAD exomes below 0.00001.
gnomAD v4.1: 1 of 1,613,734 alleles (0.000062%); highest among the groups gnomAD compares: Non-Finnish European, 0.000085%; no homozygotes.

Submissions (3):

Ambry Genetics
Classification: Uncertain significance for Hereditary cancer-predisposing syndrome. Last evaluated: 2023-05-10. Review status: criteria provided, single submitter. Criteria: Ambry Variant Classification Scheme 2023. Collection method: clinical testing. Allele origin: germline.
Comment: The p.K1541Q variant (also known as c.4621A>C), located in coding exon 10 of the BRCA2 gene, results from an A to C substitution at nucleotide position 4621. The lysine at codon 1541 is replaced by glutamine, an amino acid with similar properties. This alteration was detected in 2/1197 patients with breast cancer who underwent genetic testing (Abdel-Razeq H et al. Front Oncol, 2022 Mar;12:673094). This amino acid position is highly conserved in available vertebrate species. In addition, this alteration is predicted to be deleterious by in silico analysis. Since supporting evidence is limited at this time, the clinical significance of this alteration remains unclear.

University of Washington Department of Laboratory Medicine, University of Washington
Classification: Likely benign for Hereditary cancer-predisposing syndrome. Last evaluated: 2023-03-23. Review status: criteria provided, single submitter. Criteria: Dines et al. (Genet Med. 2020). Collection method: curation. Allele origin: germline.
Comment: Missense variant in a coldspot region where missense variants are very unlikely to be pathogenic (PMID:31911673).

BRCA2 exon 11 coldspot. Reclassification based on statistical prior probability.

Labcorp Genetics (formerly Invitae), Labcorp
Classification: Uncertain significance for Hereditary breast ovarian cancer syndrome. Last evaluated: 2022-02-18. Review status: criteria provided, single submitter. Criteria: Invitae Variant Classification Sherloc (09022015). Collection method: clinical testing. Allele origin: germline.
Comment: This sequence change replaces lysine, which is basic and polar, with glutamine, which is neutral and polar, at codon 1541 of the BRCA2 protein (p.Lys1541Gln). In summary, the available evidence is currently insufficient to determine the role of this variant in disease. Therefore, it has been classified as a Variant of Uncertain Significance. Advanced modeling of protein sequence and biophysical properties (such as structural, functional, and spatial information, amino acid conservation, physicochemical variation, residue mobility, and thermodynamic stability) performed at Invitae indicates that this missense variant is not expected to disrupt BRCA2 protein function. ClinVar contains an entry for this variant (Variation ID: 1042029). This variant has not been reported in the literature in individuals affected with BRCA2-related conditions. This variant is not present in population databases (gnomAD no frequency).

Literature cited by the submitters: PubMed 35402282 (cited by Ambry Genetics).

NM_000059.4(BRCA2):c.4621A>C (p.Lys1541Gln)

Gene: BRCA2 (BRCA2 DNA repair associated; plus strand). Cytogenetic location: 13q13.1.
Variant type: single nucleotide variant.
Coding change: c.4621A>C on transcript NM_000059.4 (MANE Select); coding-DNA position 4621, A replaced by C.
Protein change: p.Lys1541Gln; replaces lysine 1541 with glutamine.
Molecular consequence: missense variant.
Genome position (GRCh38, 1-based): chr13:32,338,976, A>C. VCF-style: chr13-32338976-A-C. GRCh37 (hg19) VCF-style: chr13-32913113-A-C.
Other names: c.4621A>C (NM_000059.3); short protein forms K1541Q.
Identifiers: ClinVar variation 1042029 (VCV001042029.12), dbSNP rs2072509204, ClinGen allele CA387782051.